The following is an entry in ClinVar:

NM_177438.3(DICER1):c.1448G>A (p.Gly483Asp)

Gene: DICER1 (dicer 1, ribonuclease III; minus strand). Cytogenetic location: 14q32.13.
Variant type: single nucleotide variant.
Coding change: c.1448G>A on transcript NM_177438.3 (MANE Select); coding-DNA position 1448, G replaced by A.
Protein change: p.Gly483Asp; replaces glycine 483 with aspartic acid.
Molecular consequence: missense variant. On other transcripts: 5 prime UTR variant (1), non-coding transcript variant (6).
Genome position (GRCh38, 1-based): chr14:95,117,683, C>T on the plus strand (G>A on the coding strand, the complement: DICER1 is on the minus strand). VCF-style: chr14-95117683-C-T. GRCh37 (hg19) VCF-style: chr14-95584020-C-T.
Other names: c.1448G>A, p.Gly483Asp (NM_001195573.1, NM_001271282.3, NM_001291628.2 and 12 more transcripts); c.1166G>A, p.Gly389Asp (NM_001395686.1); c.1043G>A, p.Gly348Asp (NM_001395687.1, NM_001395688.1, NM_001395689.1 and 3 more transcripts); c.881G>A, p.Gly294Asp (NM_001395691.1); c.-121G>A (NM_001395697.1); short protein forms G294D, G389D, G483D, G348D.
Identifiers: ClinVar variation 3501932 (VCV003501932.1).
Genomic context (GRCh38, chr14:95,117,683, plus strand): 5'-TCTTCCTGTTTTCTGAATTCTGCTTCCATCTGTTTGTTGCGAGGCTGATTCTTCCCAATG[C>T]CATGTCCAGTTATGAAATTGCTACTGATATAAGCCAGCTCTGGATCTTGTTTGCCAGCTT-3'
Protein context (NP_803187.1, residues 473-493): YISSNFITGH[Gly483Asp]IGKNQPRNKQ

ClinVar aggregate classification (germline): Uncertain significance (1 of 4 stars; one submission).

Conditions:
Hereditary cancer-predisposing syndrome. Also called: Tumor predisposition; Neoplastic Syndromes, Hereditary; Hereditary Cancer Syndrome; Hereditary neoplastic syndrome. Identifiers: Orphanet 140162, MedGen C0027672, MeSH D009386, MONDO:0015356.

gnomAD v4.1: 1 of 1,613,966 alleles (0.000062%); highest among the groups gnomAD compares: South Asian, 0.0011%; no homozygotes.

Submission:

Ambry Genetics
Classification: Uncertain significance for Hereditary cancer-predisposing syndrome. Last evaluated: 2024-10-21. Review status: criteria provided, single submitter. Criteria: Ambry Variant Classification Scheme 2023. Collection method: clinical testing. Allele origin: germline.
Comment: The p.G483D variant (also known as c.1448G>A), located in coding exon 8 of the DICER1 gene, results from a G to A substitution at nucleotide position 1448. The glycine at codon 483 is replaced by aspartic acid, an amino acid with similar properties. This amino acid position is conserved. In addition, this alteration is predicted to be deleterious by in silico analysis. Based on the available evidence, the clinical significance of this variant remains unclear.